The following is an entry in ClinVar:

NM_004525.3(LRP2):c.7493C>G (p.Ser2498Cys)

Gene: LRP2 (LDL receptor related protein 2; minus strand). Cytogenetic location: 2q31.1.
Variant type: single nucleotide variant.
Coding change: c.7493C>G on transcript NM_004525.3 (MANE Select); coding-DNA position 7493, C replaced by G.
Protein change: p.Ser2498Cys; replaces serine 2498 with cysteine.
Molecular consequence: missense variant.
Genome position (GRCh38, 1-based): chr2:169,206,086, G>C on the plus strand (C>G on the coding strand, the complement: LRP2 is on the minus strand). VCF-style: chr2-169206086-G-C. GRCh37 (hg19) VCF-style: chr2-170062596-G-C.
Other names: short protein forms S2498C.
Identifiers: ClinVar variation 1368690 (VCV001368690.6), dbSNP rs142613860, ClinGen allele CA1954087.

ClinVar aggregate classification (germline): Uncertain significance. Review status: criteria provided, multiple submitters, no conflicts (2 of 4 stars). 2 submissions from 2 submitters: Uncertain significance (2). Last evaluated 2022-10-25.

Conditions:
Donnai-Barrow syndrome. Also called: DBS/FOAR SYNDROME; FACIOOCULOACOUSTICORENAL SYNDROME. Identifiers: Orphanet 2143, MedGen C1857277, MONDO:0009104, OMIM 222448.

Allele frequency attached by ClinVar (database versions not stated): TOPMed 0.00003; gnomAD 0.00005 and 0.00006; ESP Exome Variant Server 0.00008.
gnomAD v4.1: 10 of 1,614,094 alleles (0.00062%); highest among the groups gnomAD compares: African/African-American, 0.011%; no homozygotes.

Submissions (2):

Labcorp Genetics (formerly Invitae), Labcorp
Classification: Uncertain significance. Last evaluated: 2022-10-25. Review status: criteria provided, single submitter. Criteria: Invitae Variant Classification Sherloc (09022015). Collection method: clinical testing. Allele origin: germline.
Comment: This sequence change replaces serine, which is neutral and polar, with cysteine, which is neutral and slightly polar, at codon 2498 of the LRP2 protein (p.Ser2498Cys). This variant is present in population databases (rs142613860, gnomAD 0.01%). This variant has not been reported in the literature in individuals affected with LRP2-related conditions. ClinVar contains an entry for this variant (Variation ID: 1368690). Algorithms developed to predict the effect of missense changes on protein structure and function (SIFT, PolyPhen-2, Align-GVGD) all suggest that this variant is likely to be disruptive. In summary, the available evidence is currently insufficient to determine the role of this variant in disease. Therefore, it has been classified as a Variant of Uncertain Significance.

Fulgent Genetics
Classification: Uncertain significance for Donnai-Barrow syndrome. Last evaluated: 2022-02-18. Review status: criteria provided, single submitter. Criteria: ACMG Guidelines, 2015. Collection method: clinical testing. Allele origin: unknown.